The following is an entry in ClinVar:

ClinVar aggregate classification (germline): Benign (1 of 4 stars; one submission).

Conditions:
Metaphyseal chondrodysplasia, Schmid type (MCDS). Also called: SPONDYLOMETAPHYSEAL DYSPLASIA, JAPANESE TYPE. Identifiers: Orphanet 174, MedGen C0265289, MONDO:0007983, OMIM 156500.

Allele frequency attached by ClinVar (database versions not stated): 1000 Genomes Project 30x 0.00234; 1000 Genomes Project 0.00260; gnomAD 0.00269 and 0.00290; TOPMed 0.00314.

Submission:

Illumina Laboratory Services, Illumina
Classification: Benign for Metaphyseal chondrodysplasia, Schmid type. Last evaluated: 2018-01-13. Review status: criteria provided, single submitter. Criteria: ICSL Variant Classification Criteria 13 December 2019. Collection method: clinical testing. Allele origin: germline.
Comment: This variant was observed in the ICSL laboratory as part of a predisposition screen in an ostensibly healthy population. It had not been previously curated by ICSL or reported in the Human Gene Mutation Database (HGMD: prior to June 1st, 2018), and was therefore a candidate for classification through an automated scoring system. Utilizing variant allele frequency, disease prevalence and penetrance estimates, and inheritance mode, an automated score was calculated to assess if this variant is too frequent to cause the disease. Based on the score and internal cut-off values, a variant classified as benign is not then subjected to further curation. The score for this variant resulted in a classification of benign for this disease.

NM_000493.4(COL10A1):c.*653T>C

Genes: COL10A1 (collagen type X alpha 1 chain; minus strand), NT5DC1 (5'-nucleotidase domain containing 1; plus strand). Cytogenetic location: 6q22.1.
Variant type: single nucleotide variant.
Coding change: c.*653T>C on transcript NM_000493.4 (MANE Select); 653 bases downstream of the stop codon, T replaced by C.
Molecular consequence: 3 prime UTR variant. On other transcripts: intron variant (1).
Genome position (GRCh38, 1-based): chr6:116,119,420, A>G on the plus strand (T>C on the coding strand, the complement: COL10A1 is on the minus strand). VCF-style: chr6-116119420-A-G. GRCh37 (hg19) VCF-style: chr6-116440583-A-G.
Other names: c.*653T>C (NM_001424106.1, NM_001424107.1); c.529+1475A>G (NM_152729.3).
Identifiers: ClinVar variation 355074 (VCV000355074.5), dbSNP rs186316373, ClinGen allele CA10625716.